The following is an entry in ClinVar:

ClinVar aggregate classification (germline): Uncertain significance (1 of 4 stars; one submission).

Conditions:
Inborn genetic diseases. Identifiers: MedGen C0950123, MeSH D030342.

Submission:

Ambry Genetics
Classification: Uncertain significance for Inborn genetic diseases. Last evaluated: 2026-07-07. Review status: criteria provided, single submitter. Criteria: Ambry Variant Classification Scheme 2023. Collection method: clinical testing. Allele origin: germline.
Comment: The c.4919A>C (p.E1640A) alteration is located in exon 51 (coding exon 51) of the COL4A1 gene. This alteration results from an A to C substitution at nucleotide position 4919, causing the glutamic acid (E) at amino acid position 1640 to be replaced by an alanine (A). This variant was not reported in population-based cohorts in the Genome Aggregation Database (gnomAD). This amino acid position is well conserved in available vertebrate species. The in silico prediction for this alteration is inconclusive. Based on insufficient or conflicting evidence, the clinical significance of this alteration remains unclear.

NM_001845.6(COL4A1):c.4919A>C (p.Glu1640Ala)

Gene: COL4A1 (collagen type IV alpha 1 chain; minus strand). Cytogenetic location: 13q34.
Variant type: single nucleotide variant.
Coding change: c.4919A>C on transcript NM_001845.6 (MANE Select); coding-DNA position 4919, A replaced by C.
Protein change: p.Glu1640Ala; replaces glutamic acid 1640 with alanine.
Molecular consequence: missense variant.
Genome position (GRCh38, 1-based): chr13:110,152,343, T>G on the plus strand (A>C on the coding strand, the complement: COL4A1 is on the minus strand). VCF-style: chr13-110152343-T-G. GRCh37 (hg19) VCF-style: chr13-110804690-T-G.
Other names: short protein forms E1640A.
Identifiers: ClinVar variation 3147573 (VCV003147573.2), dbSNP rs2501716135, ClinGen allele CA388654047.
Genomic context (GRCh38, chr13:110,152,343, plus strand): 5'-TAAAGTCACAAAGGGGCCAGCAGCCTGCAAAAAAGCAGTGCTCCCACTTACTTGAACATC[T>G]CGCTCCTCTCTATGGTGGCGAGCCAAAAGCTGTAAGCGTTTGCGTAGTAATTGCAGGTCC-3'
Protein context (NP_001836.3, residues 1630-1650): SFWLATIERS[Glu1640Ala]MFKKPTPSTL